The following is an entry in ClinVar:

NM_001376.5(DYNC1H1):c.7146G>A (p.Leu2382=)

Gene: DYNC1H1 (dynein cytoplasmic 1 heavy chain 1; plus strand). Cytogenetic location: 14q32.31.
Variant type: single nucleotide variant.
Coding change: c.7146G>A on transcript NM_001376.5 (MANE Select); coding-DNA position 7146, G replaced by A.
Protein change: p.Leu2382=; no amino-acid change (leucine 2382 retained).
Molecular consequence: synonymous variant.
Genome position (GRCh38, 1-based): chr14:102,015,236, G>A. VCF-style: chr14-102015236-G-A. GRCh37 (hg19) VCF-style: chr14-102481573-G-A.
Identifiers: ClinVar variation 1701246 (VCV001701246.31), dbSNP rs2152581549, ClinGen allele CA487972566.
Genomic context (GRCh38, chr14:102,015,236, plus strand): 5'-CTGGTTCAGTGAGGATGTGCTGAGCACCGACATGATCTTCAACAACTTCCTGGCCAGGCT[G>A]CGCAGCATCCCGCTGGATGAAGGGGAGGATGAGGCACAGCGGCGGCGTAAGGGCAAAGAG-3'
Protein context (NP_001367.2, residues 2372-2392): DMIFNNFLAR[Leu2382=]RSIPLDEGED

ClinVar aggregate classification (germline): Likely benign (1 of 4 stars; one submission).

gnomAD v4.1: 2 of 1,614,246 alleles (0.00012%); highest among the groups gnomAD compares: Non-Finnish European, 0.00017%; no homozygotes.

Submission:

CeGaT Center for Human Genetics Tuebingen
Classification: Likely benign. Last evaluated: 2022-07-01. Review status: criteria provided, single submitter. Criteria: CeGaT Center For Human Genetics Tuebingen Variant Classification Criteria Version 2. Collection method: clinical testing. Allele origin: germline. Affected: yes. Observed: 1 variant allele.
Comment: DYNC1H1: PM2:Supporting, BP4, BP7